The following is an entry in ClinVar:

ClinVar aggregate classification (germline): Conflicting classifications of pathogenicity. Review status: criteria provided, conflicting classifications (1 of 4 stars). 2 submissions from 2 submitters: Likely pathogenic (1); Uncertain significance (1). Last evaluated 2021-09-01.

Conditions:
HSD3B2-related disorders.

Allele frequency attached by ClinVar (database versions not stated): gnomAD exomes below 0.00001; ExAC 0.00001; gnomAD 0.00001; TOPMed 0.00002.

Submissions (2):

Labcorp Genetics (formerly Invitae), Labcorp
Classification: Uncertain significance. Last evaluated: 2021-09-01. Review status: criteria provided, single submitter. Criteria: Invitae Variant Classification Sherloc (09022015). Collection method: clinical testing. Allele origin: germline.
Comment: This sequence change replaces valine with methionine at codon 228 of the HSD3B2 protein (p.Val228Met). The valine residue is moderately conserved and there is a small physicochemical difference between valine and methionine. This variant is present in population databases (rs748851282, ExAC 0.006%). This variant has not been reported in the literature in individuals affected with HSD3B2-related conditions. Algorithms developed to predict the effect of missense changes on protein structure and function are either unavailable or do not agree on the potential impact of this missense change (SIFT: "Deleterious"; PolyPhen-2: "Probably Damaging"; Align-GVGD: "Class C0"). In summary, the available evidence is currently insufficient to determine the role of this variant in disease. Therefore, it has been classified as a Variant of Uncertain Significance.

Blueprint Genetics
Classification: Likely pathogenic for HSD3B2-related disorders. Last evaluated: 2019-06-14. Review status: criteria provided, single submitter. Criteria: ACMG Guidelines, 2015. Collection method: clinical testing. Allele origin: germline. Affected: yes. Observed: 1 variant allele.

NM_000198.4(HSD3B2):c.682G>A (p.Val228Met)

Gene: HSD3B2 (hydroxy-delta-5-steroid dehydrogenase, 3 beta- and steroid delta-isomerase 2; plus strand). Cytogenetic location: 1p12.
Variant type: single nucleotide variant.
Coding change: c.682G>A on transcript NM_000198.4 (MANE Select); coding-DNA position 682, G replaced by A.
Protein change: p.Val228Met; replaces valine 228 with methionine.
Molecular consequence: missense variant.
Genome position (GRCh38, 1-based): chr1:119,422,183, G>A. VCF-style: chr1-119422183-G-A. GRCh37 (hg19) VCF-style: chr1-119964806-G-A.
Other names: c.682G>A, p.Val228Met (NM_001166120.2); short protein forms V228M.
Identifiers: ClinVar variation 2160491 (VCV002160491.2), dbSNP rs748851282, ClinGen allele CA1036022.